The following is an entry in ClinVar:

ClinVar aggregate classification (germline): Benign. Review status: criteria provided, multiple submitters, no conflicts (2 of 4 stars). 3 submissions from 3 submitters: Benign (3). Last evaluated 2026-02-03.

Conditions:
Developmental and epileptic encephalopathy 94 (DEE94). Also called: Epileptic encephalopathy, childhood-onset; CHD2-Related Neurodevelopmental Disorders. Identifiers: Orphanet 1942, Orphanet 2382, MedGen C3809278, MONDO:0014150, OMIM 615369.

Allele frequency attached by ClinVar (database versions not stated): gnomAD exomes 0.00364; ExAC 0.00408; gnomAD 0.00852 and 0.00887; ESP Exome Variant Server 0.00901; TOPMed 0.00956; 1000 Genomes Project 0.01418; 1000 Genomes Project 30x 0.01452.

Submissions (14):

Labcorp Genetics (formerly Invitae), Labcorp
Classification: Benign for Developmental and epileptic encephalopathy 94. Last evaluated: 2026-02-03. Review status: criteria provided, single submitter. Criteria: Invitae Variant Classification Sherloc (09022015). Collection method: clinical testing. Allele origin: germline.

GeneDx
Classification: Benign. Last evaluated: 2016-02-05. Review status: criteria provided, single submitter. Criteria: GeneDx Variant Classification (06012015). Collection method: clinical testing. Allele origin: germline. Affected: yes.
Comment: This variant is considered likely benign or benign based on one or more of the following criteria: it is a conservative change, it occurs at a poorly conserved position in the protein, it is predicted to be benign by multiple in silico algorithms, and/or has population frequency not consistent with disease.

Breakthrough Genomics
Classification: Benign. Review status: criteria provided, single submitter. Criteria: ACMG Guidelines, 2015. Collection method: not provided. Allele origin: germline. Inheritance: Autosomal dominant inheritance. Affected: yes.

Dr. Peter K. Rogan Lab, Western University
No classification provided (evidence only). Condition: Familial cancer of breast. Review status: no classification provided. Collection method: in vitro. Allele origin: not applicable. Functional consequence: skipped exon, retained intron. Not counted in ClinVar's aggregate classification.

Dr. Peter K. Rogan Lab, Western University
No classification provided (evidence only). Condition: Acute myeloid leukemia. Review status: no classification provided. Collection method: in vitro. Allele origin: not applicable. Functional consequence: retained intron. Not counted in ClinVar's aggregate classification.

Dr. Peter K. Rogan Lab, Western University
No classification provided (evidence only). Condition: Thymoma. Review status: no classification provided. Collection method: in vitro. Allele origin: not applicable. Functional consequence: retained intron. Not counted in ClinVar's aggregate classification.

Dr. Peter K. Rogan Lab, Western University
No classification provided (evidence only). Condition: Ovarian serous cystadenocarcinoma. Review status: no classification provided. Collection method: in vitro. Allele origin: not applicable. Functional consequence: retained intron. Not counted in ClinVar's aggregate classification.

Dr. Peter K. Rogan Lab, Western University
No classification provided (evidence only). Condition: Gastric cancer. Review status: no classification provided. Collection method: in vitro. Allele origin: not applicable. Functional consequence: retained intron. Not counted in ClinVar's aggregate classification.

Dr. Peter K. Rogan Lab, Western University
No classification provided (evidence only). Condition: Gastric cancer. Review status: no classification provided. Collection method: in vitro. Allele origin: not applicable. Functional consequence: retained intron. Not counted in ClinVar's aggregate classification.

Dr. Peter K. Rogan Lab, Western University
No classification provided (evidence only). Condition: Gastric cancer. Review status: no classification provided. Collection method: in vitro. Allele origin: not applicable. Functional consequence: retained intron. Not counted in ClinVar's aggregate classification.

Dr. Peter K. Rogan Lab, Western University
No classification provided (evidence only). Condition: Malignant tumor of esophagus. Review status: no classification provided. Collection method: in vitro. Allele origin: not applicable. Functional consequence: retained intron. Not counted in ClinVar's aggregate classification.

Dr. Peter K. Rogan Lab, Western University
No classification provided (evidence only). Condition: Malignant tumor of esophagus. Review status: no classification provided. Collection method: in vitro. Allele origin: not applicable. Functional consequence: retained intron. Not counted in ClinVar's aggregate classification.

Dr. Peter K. Rogan Lab, Western University
No classification provided (evidence only). Condition: Malignant tumor of esophagus. Review status: no classification provided. Collection method: in vitro. Allele origin: not applicable. Functional consequence: retained intron. Not counted in ClinVar's aggregate classification.

Dr. Peter K. Rogan Lab, Western University
No classification provided (evidence only). Condition: Malignant tumor of esophagus. Review status: no classification provided. Collection method: in vitro. Allele origin: not applicable. Functional consequence: retained intron. Not counted in ClinVar's aggregate classification.

NM_001271.4(CHD2):c.4138-15T>G

Gene: CHD2 (chromodomain helicase DNA binding protein 2; plus strand). Cytogenetic location: 15q26.1.
Variant type: single nucleotide variant.
Coding change: c.4138-15T>G on transcript NM_001271.4 (MANE Select); 15 bases into the intron before coding-DNA position 4138, T replaced by G.
Molecular consequence: intron variant.
Genome position (GRCh38, 1-based): chr15:93,002,162, T>G. VCF-style: chr15-93002162-T-G. GRCh37 (hg19) VCF-style: chr15-93545392-T-G.
Identifiers: ClinVar variation 383095 (VCV000383095.11), dbSNP rs115207100, ClinGen allele CA7748395.